The following is an entry in ClinVar:

NM_004104.5(FASN):c.7349C>T (p.Thr2450Met)

Genes: FASN (fatty acid synthase; minus strand), LOC129390948 (MPRA-validated peak3028 silencer; plus strand). Cytogenetic location: 17q25.3.
Variant type: single nucleotide variant.
Coding change: c.7349C>T on transcript NM_004104.5 (MANE Select); coding-DNA position 7349, C replaced by T.
Protein change: p.Thr2450Met; replaces threonine 2450 with methionine.
Molecular consequence: missense variant.
Genome position (GRCh38, 1-based): chr17:82,079,406, G>A on the plus strand (C>T on the coding strand, the complement: FASN is on the minus strand). VCF-style: chr17-82079406-G-A. GRCh37 (hg19) VCF-style: chr17-80037282-G-A.
Other names: short protein forms T2450M.
Identifiers: ClinVar variation 664907 (VCV000664907.12), dbSNP rs776351410, ClinGen allele CA8851030.

ClinVar aggregate classification (germline): Uncertain significance. Review status: criteria provided, multiple submitters, no conflicts (2 of 4 stars). 2 submissions from 2 submitters: Uncertain significance (2). Last evaluated 2025-04-17.

Conditions:
Epileptic encephalopathy. Identifiers: MedGen C0543888, HP:0200134.

Allele frequency attached by ClinVar (database versions not stated): gnomAD below 0.00001 and 0.00001; TOPMed below 0.00001; gnomAD exomes 0.00001 and 0.00002; ExAC 0.00003.
gnomAD v4.1: 12 of 1,612,902 alleles (0.00074%); highest among the groups gnomAD compares: South Asian, 0.0088%; no homozygotes.

Submissions (2):

Labcorp Genetics (formerly Invitae), Labcorp
Classification: Uncertain significance for Epileptic encephalopathy. Last evaluated: 2025-04-17. Review status: criteria provided, single submitter. Criteria: Invitae Variant Classification Sherloc (09022015). Collection method: clinical testing. Allele origin: germline.
Comment: This sequence change replaces threonine, which is neutral and polar, with methionine, which is neutral and non-polar, at codon 2450 of the FASN protein (p.Thr2450Met). This variant is present in population databases (rs776351410, gnomAD 0.01%). This variant has not been reported in the literature in individuals affected with FASN-related conditions. ClinVar contains an entry for this variant (Variation ID: 664907). An algorithm developed to predict the effect of missense changes on protein structure and function outputs the following: PolyPhen-2: "Benign". The methionine amino acid residue is found in multiple mammalian species, which suggests that this missense change does not adversely affect protein function. In summary, the available evidence is currently insufficient to determine the role of this variant in disease. Therefore, it has been classified as a Variant of Uncertain Significance.

Ambry Genetics
Classification: Uncertain significance. Last evaluated: 2024-05-29. Review status: criteria provided, single submitter. Criteria: Ambry Variant Classification Scheme 2023. Collection method: clinical testing. Allele origin: germline.